The following is an entry in ClinVar:

NM_021619.3(PRDM12):c.1022ACGCGC[3] (p.341HA[3])

Gene: PRDM12 (PR/SET domain 12; plus strand). Cytogenetic location: 9q34.12.
Variant type: Microsatellite.
Coding change: c.1022ACGCGC[3] on transcript NM_021619.3 (MANE Select); three copies in a row of the 6-base unit ACGCGC starting at c.1022; the reference has two copies in a row; one copy, 6 bases duplicated; also written c.1028_1033dup.
Protein change: p.341HA[3].
Molecular consequence: inframe insertion.
Genome position (GRCh38, 1-based): chr9:130,681,593-130,681,598, ACGCGC duplicated; duplicating any 6 consecutive bases within chr9:130,681,584-130,681,598 gives the same sequence; the position shown is the placement nearest the transcript's 3' end. VCF-style (leftmost placement, unchanged base first): chr9-130681583-C-CCGCACG. GRCh37 (hg19) VCF-style: chr9-133556970-C-CCGCACG.
Other names: p.His343_Ala344dup; c.1028_1033dup (NM_021619.3).
Identifiers: ClinVar variation 571070 (VCV000571070.10), dbSNP rs1288821918, ClinGen allele CA590945310.

ClinVar aggregate classification (germline): Conflicting classifications of pathogenicity. Review status: criteria provided, conflicting classifications (1 of 4 stars). 4 submissions from 4 submitters: Uncertain significance (2); Likely benign (2). Last evaluated 2024-10-24.

Conditions:
Inborn genetic diseases. Identifiers: MedGen C0950123, MeSH D030342.
Congenital insensitivity to pain-hypohidrosis syndrome. Also called: HSAN VIII; Neuropathy, hereditary sensory and autonomic, type VIII. Identifiers: Orphanet 478664, MedGen C4225308, MONDO:0014662, OMIM 616488.

Submissions (4):

Mayo Clinic Laboratories, Mayo Clinic
Classification: Likely benign. Last evaluated: 2024-10-24. Review status: criteria provided, single submitter. Criteria: ACMG Guidelines, 2015. Collection method: clinical testing. Allele origin: germline. Observed: 2 variant alleles.
Comment: BA1

Ambry Genetics
Classification: Likely benign for Inborn genetic diseases. Last evaluated: 2023-01-09. Review status: criteria provided, single submitter. Criteria: Ambry Variant Classification Scheme 2023. Collection method: clinical testing. Allele origin: germline.

Labcorp Genetics (formerly Invitae), Labcorp
Classification: Uncertain significance for Congenital insensitivity to pain-hypohidrosis syndrome. Last evaluated: 2022-10-17. Review status: criteria provided, single submitter. Criteria: Invitae Variant Classification Sherloc (09022015). Collection method: clinical testing. Allele origin: germline.
Comment: This variant, c.1028_1033dup, results in the insertion of 2 amino acid(s) of the PRDM12 protein (p.His343_Ala344dup), but otherwise preserves the integrity of the reading frame. The frequency data for this variant in the population databases is considered unreliable, as metrics indicate poor data quality at this position in the gnomAD database. This variant has not been reported in the literature in individuals affected with PRDM12-related conditions. ClinVar contains an entry for this variant (Variation ID: 571070). Experimental studies and prediction algorithms are not available or were not evaluated, and the functional significance of this variant is currently unknown. In summary, the available evidence is currently insufficient to determine the role of this variant in disease. Therefore, it has been classified as a Variant of Uncertain Significance.

Breakthrough Genomics
Classification: Uncertain significance. Review status: criteria provided, single submitter. Criteria: ACMG Guidelines, 2015. Collection method: not provided. Allele origin: germline. Inheritance: Autosomal recessive inheritance. Affected: yes.